The following is an entry in ClinVar:

NM_000193.4(SHH):c.562+4A>G

Gene: SHH (sonic hedgehog signaling molecule; minus strand). Cytogenetic location: 7q36.3.
Variant type: single nucleotide variant.
Coding change: c.562+4A>G on transcript NM_000193.4 (MANE Select); 4 bases into the intron after coding-DNA position 562, A replaced by G.
Molecular consequence: intron variant.
Genome position (GRCh38, 1-based): chr7:155,806,292, T>C on the plus strand (A>G on the coding strand, the complement: SHH is on the minus strand). VCF-style: chr7-155806292-T-C. GRCh37 (hg19) VCF-style: chr7-155598986-T-C.
Other names: c.301+4A>G (NM_001310462.2).
Identifiers: ClinVar variation 4764096 (VCV004764096.1).

ClinVar aggregate classification (germline): Uncertain significance (1 of 4 stars; one submission).

Conditions:
Holoprosencephaly 3 (HPE3). Identifiers: Orphanet 2162, MedGen C1840529, MONDO:0007733, OMIM 142945.

Submission:

Labcorp Genetics (formerly Invitae), Labcorp
Classification: Uncertain significance for Holoprosencephaly 3. Last evaluated: 2025-06-12. Review status: criteria provided, single submitter. Criteria: Invitae Variant Classification Sherloc (09022015). Collection method: clinical testing. Allele origin: germline.
Comment: This sequence change falls in intron 2 of the SHH gene. It does not directly change the encoded amino acid sequence of the SHH protein. It affects a nucleotide within the consensus splice site. This variant is not present in population databases (gnomAD no frequency). This variant has not been reported in the literature in individuals affected with SHH-related conditions. Variants that disrupt the consensus splice site are a relatively common cause of aberrant splicing (PMID: 17576681, 9536098). Algorithms developed to predict the effect of sequence changes on RNA splicing suggest that this variant is not likely to affect RNA splicing. In summary, the available evidence is currently insufficient to determine the role of this variant in disease. Therefore, it has been classified as a Variant of Uncertain Significance.

Literature cited by the submitters: PubMed 17576681; PubMed 9536098.